The following is an entry in ClinVar:

NM_014915.3(ANKRD26):c.3627A>G (p.Gln1209=)

Gene: ANKRD26 (ankyrin repeat domain 26; minus strand). Cytogenetic location: 10p12.1.
Variant type: single nucleotide variant.
Coding change: c.3627A>G on transcript NM_014915.3 (MANE Select); coding-DNA position 3627, A replaced by G.
Protein change: p.Gln1209=; no amino-acid change (glutamine 1209 retained).
Molecular consequence: synonymous variant.
Genome position (GRCh38, 1-based): chr10:27,034,823, T>C on the plus strand (A>G on the coding strand, the complement: ANKRD26 is on the minus strand). VCF-style: chr10-27034823-T-C. GRCh37 (hg19) VCF-style: chr10-27323752-T-C.
Other names: c.3624A>G, p.Gln1208= (NM_001256053.2).
Identifiers: ClinVar variation 511450 (VCV000511450.5), dbSNP rs759957971, ClinGen allele CA5448008.

ClinVar aggregate classification (germline): Likely benign. Review status: criteria provided, multiple submitters, no conflicts (2 of 4 stars). 3 submissions from 3 submitters: Likely benign (3). Last evaluated 2025-03-27.

Conditions:
Inborn genetic diseases. Identifiers: MedGen C0950123, MeSH D030342.

Allele frequency attached by ClinVar (database versions not stated): gnomAD exomes 0.00002; TOPMed 0.00002; ExAC 0.00003.
gnomAD v4.1: 8 of 1,609,912 alleles (0.0005%); highest among the groups gnomAD compares: Admixed American, 0.01%; no homozygotes.

Submissions (3):

Ambry Genetics
Classification: Likely benign for Inborn genetic diseases. Last evaluated: 2025-03-27. Review status: criteria provided, single submitter. Criteria: Ambry Variant Classification Scheme 2023. Collection method: clinical testing. Allele origin: germline.

Labcorp Genetics (formerly Invitae), Labcorp
Classification: Likely benign. Last evaluated: 2024-12-23. Review status: criteria provided, single submitter. Criteria: Invitae Variant Classification Sherloc (09022015). Collection method: clinical testing. Allele origin: germline.

GeneDx
Classification: Likely benign. Last evaluated: 2017-08-14. Review status: criteria provided, single submitter. Criteria: GeneDx Variant Classification (06012015). Collection method: clinical testing. Allele origin: germline. Affected: yes.
Comment: This variant is considered likely benign or benign based on one or more of the following criteria: it is a conservative change, it occurs at a poorly conserved position in the protein, it is predicted to be benign by multiple in silico algorithms, and/or has population frequency not consistent with disease.